The following is an entry in ClinVar:

NM_002430.3(MN1):c.876_887dup (p.Gln300_Gln301insProGlnGlnGln)

Gene: MN1 (MN1 proto-oncogene, transcriptional regulator; minus strand). Cytogenetic location: 22q12.1.
Variant type: Duplication.
Coding change: c.876_887dup on transcript NM_002430.3 (MANE Select); coding-DNA positions 876 to 887, 12 bases duplicated (ACCGCAGCAGCA).
Protein change: p.Gln300_Gln301insProGlnGlnGln.
Molecular consequence: inframe insertion.
Genome position (GRCh38, 1-based): chr22:27,799,657-27,799,668, TGCTGCTGCGGT duplicated on the plus strand (ACCGCAGCAGCA on the coding strand, the reverse complement: MN1 is on the minus strand). VCF-style (leftmost placement, unchanged base first): chr22-27799656-C-CTGCTGCTGCGGT. GRCh37 (hg19) VCF-style: chr22-28195644-C-CTGCTGCTGCGGT.
Identifiers: ClinVar variation 1800667 (VCV001800667.1), dbSNP rs2517773717, ClinGen allele CA2580099345.
Genomic context (GRCh38, chr22:27,799,656, plus strand): 5'-CCTCTCAAAGAACACACCATGCTGCTGCTGCTGCTGCTGGGGCTGCTGCTGCTGCTGGGG[C>CTGCTGCTGCGGT]TGCTGCTGCGGTGGCTGGGCGTGCATTTTGGACAAGCCCACCATGCCCGCAGCTCTGGGC-3'

ClinVar aggregate classification (germline): Uncertain significance (1 of 4 stars; one submission).

Allele frequency attached by ClinVar (database versions not stated): gnomAD exomes 0.00001.

Submission:

GeneDx
Classification: Uncertain significance. Last evaluated: 2022-05-19. Review status: criteria provided, single submitter. Criteria: GeneDx Variant Classification Process June 2021. Collection method: clinical testing. Allele origin: germline. Affected: yes.
Comment: Not observed at significant frequency in large population cohorts (gnomAD); In-frame insertion of 4 amino acids in a non-repeat region; Has not been previously published as pathogenic or benign to our knowledge